The following is an entry in ClinVar:

ClinVar aggregate classification (germline): Benign. Review status: criteria provided, multiple submitters, no conflicts (2 of 4 stars). 4 submissions from 4 submitters: Benign (4). Last evaluated 2026-02-01.

Conditions:
Vanishing white matter disease. Also called: CACH syndrome; Childhood ataxia with diffuse central nervous system hypomyelination; Leukoencephalopathy with vanishing white matter; CACH/VWM syndrome; Cree leukoencehalopathy. Identifiers: Orphanet 135, Orphanet 99853, MedGen C1858991, MONDO:0800448.

Allele frequency attached by ClinVar (database versions not stated): gnomAD exomes 0.00161 and 0.00371; ExAC 0.00390; gnomAD 0.00932 and 0.00992; 1000 Genomes Project 0.01018; ESP Exome Variant Server 0.01053; TOPMed 0.01090; 1000 Genomes Project 30x 0.01093.
gnomAD v4.1: 3,877 of 1,614,228 alleles (0.24%); highest among the groups gnomAD compares: African/African-American, 3%; 38 homozygotes.

Submissions (4):

Labcorp Genetics (formerly Invitae), Labcorp
Classification: Benign. Last evaluated: 2026-02-01. Review status: criteria provided, single submitter. Criteria: Invitae Variant Classification Sherloc (09022015). Collection method: clinical testing. Allele origin: germline.

Illumina Laboratory Services, Illumina
Classification: Benign for Leukoencephalopathy with vanishing white matter 1. Last evaluated: 2018-01-13. Review status: criteria provided, single submitter. Criteria: ICSL Variant Classification Criteria 13 December 2019. Collection method: clinical testing. Allele origin: germline.
Comment: This variant was observed in the ICSL laboratory as part of a predisposition screen in an ostensibly healthy population. It had not been previously curated by ICSL or reported in the Human Gene Mutation Database (HGMD: prior to June 1st, 2018), and was therefore a candidate for classification through an automated scoring system. Utilizing variant allele frequency, disease prevalence and penetrance estimates, and inheritance mode, an automated score was calculated to assess if this variant is too frequent to cause the disease. Based on the score and internal cut-off values, a variant classified as benign is not then subjected to further curation. The score for this variant resulted in a classification of benign for this disease.

Eurofins Ntd Llc (ga)
Classification: Benign. Last evaluated: 2013-12-26. Review status: criteria provided, single submitter. Criteria: EGL Classification Definitions 2015. Collection method: clinical testing. Allele origin: germline. Observed: 1 variant allele, 1 heterozygote.

Breakthrough Genomics
Classification: Benign. Review status: criteria provided, single submitter. Criteria: ACMG Guidelines, 2015. Collection method: not provided. Allele origin: germline. Inheritance: Autosomal recessive inheritance. Affected: yes.

NM_001034116.2(EIF2B4):c.1372+13A>C

Genes: EIF2B4 (eukaryotic translation initiation factor 2B subunit delta; minus strand), GTF3C2-AS2 (GTF3C2 antisense RNA 2; plus strand). Cytogenetic location: 2p23.3.
Variant type: single nucleotide variant.
Coding change: c.1372+13A>C on transcript NM_001034116.2 (MANE Select); 13 bases into the intron after coding-DNA position 1372, A replaced by C.
Molecular consequence: intron variant.
Genome position (GRCh38, 1-based): chr2:27,364,705, T>G on the plus strand (A>C on the coding strand, the complement: EIF2B4 is on the minus strand). VCF-style: chr2-27364705-T-G. GRCh37 (hg19) VCF-style: chr2-27587572-T-G.
Other names: c.1279+13A>C (NM_001318967.2); c.1369+13A>C (NM_015636.4); c.754+13A>C (NM_001318969.2); c.1327+13A>C (NM_001318966.2); c.1432+13A>C (NM_172195.4); c.787+13A>C (NM_001318968.2); c.1435+13A>C (NM_001318965.2).
Identifiers: ClinVar variation 167036 (VCV000167036.18), dbSNP rs78914478, ClinGen allele CA179998.
Genomic context (GRCh38, chr2:27,364,705, plus strand): 5'-CTAGTTTATCCGCCCCTCTCCCTCCCTCTCAAGTCTTCACAGGTAGCTGGAGGCTTCTCT[T>G]TTGCCTCCTTACCTAGCTCATTAGAGACAAAGGCATCAGTCTGCACACGCTCACAGAACT-3'